The following is an entry in ClinVar:

ClinVar aggregate classification (germline): Uncertain significance. Review status: criteria provided, multiple submitters, no conflicts (2 of 4 stars). 2 submissions from 2 submitters: Uncertain significance (2). Last evaluated 2024-05-14.

Conditions:
Loeys-Dietz syndrome (LDS). Identifiers: Orphanet 60030, MedGen C2697932, MONDO:0018954.
Familial thoracic aortic aneurysm and aortic dissection (TAAD). Also called: Thoracic aortic aneurysms and dissections. Identifiers: Orphanet 91387, MedGen C4707243, MONDO:0019625.

Allele frequency attached by ClinVar (database versions not stated): TOPMed below 0.00001; gnomAD 0.00001.

Submissions (2):

All of Us Research Program, National Institutes of Health
Classification: Uncertain significance for Loeys-Dietz syndrome. Last evaluated: 2024-05-14. Review status: criteria provided, single submitter. Criteria: ACMG Guidelines, 2015. Collection method: clinical testing. Allele origin: germline. Inheritance: Autosomal dominant inheritance. Observed: 1 variant allele, 1 heterozygote.
Comment: This variant is located in the 3' untranslated region of the TGFBR1 gene. To our knowledge, functional studies have not been reported for this variant. This variant has not been reported in individuals affected with TGFBR1-related disorders in the literature. This variant has not been identified in the general population by the Genome Aggregation Database (gnomAD). The available evidence is insufficient to determine the role of this variant in disease conclusively. Therefore, this variant is classified as a Variant of Uncertain Significance.

This study involves interpretation of variants in research participants for the purpose of population health screening. Participant phenotype was not available at the time of variant classification. Additional details can be found in publication PMID: 35346344, PMCID: PMC8962531

Color Diagnostics, LLC DBA Color Health
Classification: Uncertain significance for Familial thoracic aortic aneurysm and aortic dissection. Last evaluated: 2024-04-25. Review status: criteria provided, single submitter. Criteria: ACMG Guidelines, 2015. Collection method: clinical testing. Allele origin: germline.
Comment: This variant is located in the 3' untranslated region of the TGFBR1 gene. To our knowledge, functional studies have not been reported for this variant. This variant has not been reported in individuals affected with TGFBR1-related disorders in the literature. This variant has not been identified in the general population by the Genome Aggregation Database (gnomAD). The available evidence is insufficient to determine the role of this variant in disease conclusively. Therefore, this variant is classified as a Variant of Uncertain Significance.

NM_004612.4(TGFBR1):c.*2T>C

Gene: TGFBR1 (transforming growth factor beta receptor 1; plus strand). Cytogenetic location: 9q22.33.
Variant type: single nucleotide variant.
Coding change: c.*2T>C on transcript NM_004612.4 (MANE Select); 2 bases downstream of the stop codon, T replaced by C.
Molecular consequence: 3 prime UTR variant.
Genome position (GRCh38, 1-based): chr9:99,149,307, T>C. VCF-style: chr9-99149307-T-C. GRCh37 (hg19) VCF-style: chr9-101911589-T-C.
Other names: c.*2T>C (NM_001130916.3, NM_001306210.2).
Identifiers: ClinVar variation 919250 (VCV000919250.5), dbSNP rs922249989, ClinGen allele CA869143715.